The following is an entry in ClinVar:

ClinVar aggregate classification (germline): Pathogenic (1 of 4 stars; one submission).

Submission:

Labcorp Genetics (formerly Invitae), Labcorp
Classification: Pathogenic. Last evaluated: 2020-12-30. Review status: criteria provided, single submitter. Criteria: Invitae Variant Classification Sherloc (09022015). Collection method: clinical testing. Allele origin: germline.
Comment: This variant has not been reported in the literature in individuals with ALPL-related conditions. This variant is not present in population databases (ExAC no frequency). This sequence change creates a premature translational stop signal (p.Tyr178*) in the ALPL gene. It is expected to result in an absent or disrupted protein product. Loss-of-function variants in ALPL are known to be pathogenic (PMID: 3174660, 10679946, 19500388). For these reasons, this variant has been classified as Pathogenic.

Literature cited by the submitters: PubMed 3174660; PubMed 10679946; PubMed 19500388.

NM_000478.6(ALPL):c.534C>A (p.Tyr178Ter)

Gene: ALPL (alkaline phosphatase, biomineralization associated; plus strand). Cytogenetic location: 1p36.12.
Variant type: single nucleotide variant.
Coding change: c.534C>A on transcript NM_000478.6 (MANE Select); coding-DNA position 534, C replaced by A.
Protein change: p.Tyr178Ter; replaces tyrosine 178 with a stop codon.
Molecular consequence: nonsense.
Genome position (GRCh38, 1-based): chr1:21,564,102, C>A. VCF-style: chr1-21564102-C-A. GRCh37 (hg19) VCF-style: chr1-21890595-C-A.
Other names: c.369C>A, p.Tyr123Ter (NM_001127501.4); c.303C>A, p.Tyr101Ter (NM_001177520.3); c.534C>A, p.Tyr178Ter (NM_001369803.2, NM_001369804.2, NM_001369805.2); short protein forms Y101*, Y123*, Y178*.
Identifiers: ClinVar variation 1353756 (VCV001353756.6), dbSNP rs201250289, ClinGen allele CA338877924.